The following is an entry in ClinVar:

NM_152703.5(SAMD9L):c.377T>C (p.Ile126Thr)

Gene: SAMD9L (sterile alpha motif domain containing 9 like; minus strand). Cytogenetic location: 7q21.2.
Variant type: single nucleotide variant.
Coding change: c.377T>C on transcript NM_152703.5 (MANE Select); coding-DNA position 377, T replaced by C.
Protein change: p.Ile126Thr; replaces isoleucine 126 with threonine.
Molecular consequence: missense variant.
Genome position (GRCh38, 1-based): chr7:93,135,595, A>G on the plus strand (T>C on the coding strand, the complement: SAMD9L is on the minus strand). VCF-style: chr7-93135595-A-G. GRCh37 (hg19) VCF-style: chr7-92764908-A-G.
Other names: c.377T>C, p.Ile126Thr (NM_001303496.3, NM_001303497.3, NM_001303498.3 and 5 more transcripts); c.377T>C (NM_152703.3); short protein forms I126T.
Identifiers: ClinVar variation 2340821 (VCV002340821.3), dbSNP rs1792404816, ClinGen allele CA368203600.

ClinVar aggregate classification (germline): Uncertain significance. Review status: criteria provided, multiple submitters, no conflicts (2 of 4 stars). 2 submissions from 2 submitters: Uncertain significance (2). Last evaluated 2024-10-01.

Conditions:
Inborn genetic diseases. Identifiers: MedGen C0950123, MeSH D030342.

Submissions (2):

GeneDx
Classification: Uncertain significance. Last evaluated: 2024-10-01. Review status: criteria provided, single submitter. Criteria: GeneDx Variant Classification Process June 2021. Collection method: clinical testing. Allele origin: germline. Affected: yes.
Comment: Has not been previously published as pathogenic or benign to our knowledge; In silico analysis indicates that this missense variant does not alter protein structure/function; Not observed at significant frequency in large population cohorts (gnomAD)

Ambry Genetics
Classification: Uncertain significance for Inborn genetic diseases. Last evaluated: 2022-12-28. Review status: criteria provided, single submitter. Criteria: Ambry Variant Classification Scheme 2023. Collection method: clinical testing. Allele origin: germline.